The following is an entry in ClinVar:

NM_032043.3(BRIP1):c.576dup (p.Val193fs)

Gene: BRIP1 (BRCA1 interacting DNA helicase 1; minus strand). Cytogenetic location: 17q23.2.
Variant type: Duplication.
Coding change: c.576dup on transcript NM_032043.3 (MANE Select); coding-DNA position 576, one base duplicated (T; older notation c.576dupT).
Protein change: p.Val193fs; shifts the reading frame from valine 193.
Molecular consequence: frameshift variant.
Genome position (GRCh38, 1-based): chr17:61,847,152, A duplicated on the plus strand (T on the coding strand, the reverse complement: BRIP1 is on the minus strand). VCF-style (leftmost placement, unchanged base first): chr17-61847151-C-CA. GRCh37 (hg19) VCF-style: chr17-59924512-C-CA.
Other names: short protein forms V193fs.
Identifiers: ClinVar variation 920888 (VCV000920888.3), dbSNP rs2078747114, ClinGen allele CA1139665803.

ClinVar aggregate classification (germline): Pathogenic (1 of 4 stars; one submission).

Conditions:
Hereditary cancer-predisposing syndrome. Also called: Neoplastic Syndromes, Hereditary; Tumor predisposition; Hereditary Cancer Syndrome; Hereditary neoplastic syndrome. Identifiers: Orphanet 140162, MedGen C0027672, MeSH D009386, MONDO:0015356.

Submission:

Color Diagnostics, LLC DBA Color Health
Classification: Pathogenic for Hereditary cancer-predisposing syndrome. Last evaluated: 2019-08-05. Review status: criteria provided, single submitter. Criteria: ACMG Guidelines, 2015. Collection method: clinical testing. Allele origin: germline.
Comment: This variant inserts 1 nucleotide in exon 6 of the BRIP1 gene, creating a frameshift and premature translation stop signal. This variant is expected to result in an absent or non-functional protein product. Computational splicing tools suggest that this variant may not impact RNA splicing. To our knowledge, functional assays have not been performed for this variant nor has this variant been reported in individuals affected with hereditary cancer in the literature. This variant has not been identified in the general population by the Genome Aggregation Database (gnomAD). Loss of BRIP1 function is a known mechanism of disease. Based on available evidence, this variant is classified as Pathogenic.